The following is an entry in ClinVar:

ClinVar aggregate classification (germline): Uncertain significance (0 of 4 stars; one submission).

Allele frequency attached by ClinVar (database versions not stated): gnomAD exomes 0.00012.

Submission:

Department of Pathology and Laboratory Medicine, Sinai Health System
Classification: Uncertain significance. Review status: no assertion criteria provided. Collection method: clinical testing. Allele origin: unknown. Affected: yes. Study: The Canadian Open Genetics Repository (COGR).
Comment: The EYS p.Met1824Leu variant was not identified in the literature nor was it identified in ClinVar or Cosmic. The variant was identified in dbSNP (ID: rs1220126892)and was found in control databases in 19 of 153232 chromosomes at a frequency of 0.000124 (Genome Aggregation Database Feb 27, 2017). The variant was observed in the following populations: European (Finnish) in 6 of 15192 chromosomes (freq: 0.000395), European (non-Finnish) in 11 of 59054 chromosomes (freq: 0.000186), African in 1 of 7906 chromosomes (freq: 0.000127) and Ashkenazi Jewish in 1 of 8440 chromosomes (freq: 0.000119), while the variant was not observed in the Latino, East Asian, Other and South Asian populations. The variant occurs outside of the splicing consensus sequence and in silico or computational prediction software programs (SpliceSiteFinder, MaxEntScan, NNSPLICE, GeneSplicer) do not predict a difference in splicing. The p.Met1824 residue is not conserved in mammals and four out of five computational analyses (PolyPhen-2, AlignGVGD, BLOSUM, MutationTaster) do not suggest a high likelihood of impact to the protein; however, this information is not predictive enough to rule out pathogenicity. In summary, based on the above information the clinical significance of this variant cannot be determined with certainty at this time. This variant is classified as a variant of uncertain significance.

NM_001142800.2(EYS):c.5470A>C (p.Met1824Leu)

Gene: EYS (eyes shut homolog; minus strand). Cytogenetic location: 6q12.
Variant type: single nucleotide variant.
Coding change: c.5470A>C on transcript NM_001142800.2 (MANE Select); coding-DNA position 5470, A replaced by C.
Protein change: p.Met1824Leu; replaces methionine 1824 with leucine.
Molecular consequence: missense variant.
Genome position (GRCh38, 1-based): chr6:64,590,397, T>G on the plus strand (A>C on the coding strand, the complement: EYS is on the minus strand). VCF-style: chr6-64590397-T-G. GRCh37 (hg19) VCF-style: chr6-65300290-T-G.
Other names: c.5470A>C, p.Met1824Leu (NM_001292009.2); short protein forms M1824L.
Identifiers: ClinVar variation 1050129 (VCV001050129.1), dbSNP rs1220126892, ClinGen allele CA364781041.
Genomic context (GRCh38, chr6:64,590,397, plus strand): 5'-GCTGAAGTTCCCATTTGGACCATTCTGAAGAAGTCTTGACCTCTTTTTTAAGAGAGGTCA[T>G]ATAATCTGTAAAATATGGCCAATCTGGCCTAATTACAGACATGGAGGAAGACGTCTGTAT-3'
Protein context (NP_001136272.1, residues 1814-1834): RPDWPYFTDY[Met1824Leu]TSLKKEVKTS